The following is an entry in ClinVar:

NM_002907.4(RECQL):c.1760C>T (p.Thr587Ile)

Genes: PYROXD1 (pyridine nucleotide-disulphide oxidoreductase domain 1; plus strand), RECQL (RecQ like helicase; minus strand). Cytogenetic location: 12p12.1.
Variant type: single nucleotide variant.
Coding change: c.1760C>T on transcript NM_002907.4 (MANE Select); coding-DNA position 1760, C replaced by T.
Protein change: p.Thr587Ile; replaces threonine 587 with isoleucine.
Molecular consequence: missense variant. On other transcripts: 3 prime UTR variant (3).
Genome position (GRCh38, 1-based): chr12:21,471,006, G>A on the plus strand (C>T on the coding strand, the complement: RECQL is on the minus strand). VCF-style: chr12-21471006-G-A. GRCh37 (hg19) VCF-style: chr12-21623940-G-A.
Other names: c.1760C>T, p.Thr587Ile (NM_032941.3); c.*2252G>A (NM_001350912.2, NM_001350913.2, NM_024854.5); short protein forms T587I.
Identifiers: ClinVar variation 1779572 (VCV001779572.4), dbSNP rs138651198, ClinGen allele CA6478658.

ClinVar aggregate classification (germline): Uncertain significance. Review status: criteria provided, multiple submitters, no conflicts (2 of 4 stars). 2 submissions from 2 submitters: Uncertain significance (2). Last evaluated 2024-08-17.

Allele frequency attached by ClinVar (database versions not stated): gnomAD exomes below 0.00001; ExAC 0.00001; ESP Exome Variant Server 0.00008; 1000 Genomes Project 0.00040; 1000 Genomes Project 30x 0.00047.
gnomAD v4.1: 5 of 1,590,614 alleles (0.00031%); highest among the groups gnomAD compares: South Asian, 0.0034%; no homozygotes.

Submissions (2):

Quest Diagnostics Nichols Institute San Juan Capistrano
Classification: Uncertain significance. Last evaluated: 2024-08-17. Review status: criteria provided, single submitter. Criteria: Quest Diagnostics criteria. Collection method: clinical testing. Allele origin: unknown.
Comment: The RECQL c.1760C>T (p.Thr587Ile) variant has not been reported in individuals with RECQL-related conditions in the published literature. The frequency of this variant in the general population, 0.0000086 (2/231658 chromosomes (Genome Aggregation Database)), is uninformative in the assessment of its pathogenicity. Analysis of this variant using bioinformatics tools for the prediction of the effect of amino acid changes on protein structure and function yielded predictions that this variant is benign. Based on the available information, we are unable to determine the clinical significance of this variant.

Ambry Genetics
Classification: Uncertain significance. Last evaluated: 2024-02-09. Review status: criteria provided, single submitter. Criteria: Ambry Variant Classification Scheme 2023. Collection method: clinical testing. Allele origin: germline.
Comment: The p.T587I variant (also known as c.1760C>T), located in coding exon 13 of the RECQL gene, results from a C to T substitution at nucleotide position 1760. The threonine at codon 587 is replaced by isoleucine, an amino acid with similar properties. This amino acid position is conserved. In addition, this alteration is predicted to be tolerated by in silico analysis. The evidence for this gene-disease relationship is limited; therefore, the clinical significance of this alteration is unclear.